The following is an entry in ClinVar:

NC_000015.9:g.(?_65255951)_(65370540_?)del

Genes: KBTBD13 (kelch repeat and BTB domain containing 13; plus strand), MTFMT (mitochondrial methionyl-tRNA formyltransferase; minus strand), RASL12 (RAS like family 12; minus strand), SLC51B (SLC51 subunit beta; plus strand), SPG21 (SPG21 abhydrolase domain containing, maspardin; minus strand). Cytogenetic location: 15q22.31.
Variant type: Deletion.
Identifiers: ClinVar variation 1471542 (VCV001471542.4).

ClinVar aggregate classification (germline): Uncertain significance (1 of 4 stars; one submission).

Conditions:
Nemaline myopathy 6 (NEM6). Also called: Nemaline myopathy 6, autosomal dominant. Identifiers: Orphanet 171439, MedGen C1836472, MONDO:0012237, OMIM 609273.

Submission:

Labcorp Genetics (formerly Invitae), Labcorp
Classification: Uncertain significance for Nemaline myopathy 6. Last evaluated: 2021-01-25. Review status: criteria provided, single submitter. Criteria: Invitae Variant Classification Sherloc (09022015). Collection method: clinical testing. Allele origin: germline.
Comment: In summary, the available evidence is currently insufficient to determine the role of this variant in disease. Therefore, it has been classified as a Variant of Uncertain Significance. This variant has not been reported in the literature in individuals with KBTBD13-related conditions. A gross deletion of the genomic region encompassing the full coding sequence of the KBTBD13 gene has been identified. The current clinical and genetic evidence is not sufficient to establish whether loss-of-function variants in KBTBD13 cause disease. The boundaries of this event are unknown as they extend beyond the assayed region for this gene and therefore may encompass additional genes.